The following is an entry in ClinVar:

ClinVar aggregate classification (germline): Uncertain significance (1 of 4 stars; one submission).

Submission:

Labcorp Genetics (formerly Invitae), Labcorp
Classification: Uncertain significance. Last evaluated: 2024-12-19. Review status: criteria provided, single submitter. Criteria: Invitae Variant Classification Sherloc (09022015). Collection method: clinical testing. Allele origin: germline.
Comment: This sequence change replaces asparagine, which is neutral and polar, with histidine, which is basic and polar, at codon 349 of the CNOT1 protein (p.Asn349His). This variant is not present in population databases (gnomAD no frequency). This variant has not been reported in the literature in individuals affected with CNOT1-related conditions. An algorithm developed to predict the effect of missense changes on protein structure and function (PolyPhen-2) suggests that this variant is likely to be tolerated. In summary, the available evidence is currently insufficient to determine the role of this variant in disease. Therefore, it has been classified as a Variant of Uncertain Significance.

NM_016284.5(CNOT1):c.1045A>C (p.Asn349His)

Gene: CNOT1 (CCR4-NOT transcription complex subunit 1; minus strand). Cytogenetic location: 16q21.
Variant type: single nucleotide variant.
Coding change: c.1045A>C on transcript NM_016284.5 (MANE Select); coding-DNA position 1045, A replaced by C.
Protein change: p.Asn349His; replaces asparagine 349 with histidine.
Molecular consequence: missense variant. On other transcripts: non-coding transcript variant (1).
Genome position (GRCh38, 1-based): chr16:58,581,515, T>G on the plus strand (A>C on the coding strand, the complement: CNOT1 is on the minus strand). VCF-style: chr16-58581515-T-G. GRCh37 (hg19) VCF-style: chr16-58615419-T-G.
Other names: c.1045A>C, p.Asn349His (NM_001265612.2, NM_206999.3); short protein forms N349H.
Identifiers: ClinVar variation 3727625 (VCV003727625.2).